The following is an entry in ClinVar:

NM_007294.4(BRCA1):c.3167C>G (p.Ser1056Cys)

Gene: BRCA1 (BRCA1 DNA repair associated; minus strand). Cytogenetic location: 17q21.31.
Variant type: single nucleotide variant.
Coding change: c.3167C>G on transcript NM_007294.4 (MANE Select); coding-DNA position 3167, C replaced by G.
Protein change: p.Ser1056Cys; replaces serine 1056 with cysteine.
Molecular consequence: missense variant. On other transcripts: intron variant (137).
Genome position (GRCh38, 1-based): chr17:43,092,364, G>C on the plus strand (C>G on the coding strand, the complement: BRCA1 is on the minus strand). VCF-style: chr17-43092364-G-C. GRCh37 (hg19) VCF-style: chr17-41244381-G-C.
Other names: c.647-1332C>G (NM_001408458.1, NM_001408461.1, NM_001408469.1 and 11 more transcripts); c.284-1332C>G (NM_001408512.1); c.3167C>G, p.Ser1056Cys (NM_001407603.1, NM_001407605.1, NM_001407616.1 and 30 more transcripts); c.407-1332C>G (NM_001408510.1); c.3164C>G, p.Ser1055Cys (NM_001407612.1, NM_001407613.1, NM_001407614.1 and 22 more transcripts); c.785-1332C>G (NM_001408397.1, NM_001408401.1, NM_001408396.1 and 13 more transcripts); c.665-1332C>G (NM_001408436.1, NM_001408444.1, NM_001408438.1 and 12 more transcripts); c.788-1332C>G (NM_001407980.1, NM_001407993.1, NM_001407976.1 and 17 more transcripts); and 41 more; short protein forms S1056C, S1009C, S1029C, S1055C, S985C, S989C, S1030C, S928C.
Identifiers: ClinVar variation 141223 (VCV000141223.9), dbSNP rs587781588, ClinGen allele CA002062.

ClinVar aggregate classification (germline): Conflicting classifications of pathogenicity. Review status: criteria provided, conflicting classifications (1 of 4 stars). 5 submissions from 5 submitters: Uncertain significance (4); Likely benign (1). Last evaluated 2025-11-22.

Conditions:
BRCA1-related cancer predisposition. Identifiers: MedGen CN377757, MONDO:0700268.
Hereditary cancer-predisposing syndrome. Also called: Neoplastic Syndromes, Hereditary; Tumor predisposition; Hereditary Cancer Syndrome; Hereditary neoplastic syndrome. Identifiers: Orphanet 140162, MedGen C0027672, MeSH D009386, MONDO:0015356.
Hereditary breast ovarian cancer syndrome. Also called: Breast and ovarian cancer; Hereditary breast and ovarian cancer; Hereditary breast and/or ovarian cancer syndrome; BRCA1- and BRCA2-Associated Hereditary Breast and Ovarian Cancer; Hereditary breast and ovarian cancer syndrome; Hereditary breast and ovarian cancer syndrome (HBOC). Identifiers: Orphanet 145, MedGen C0677776, MeSH D061325, MONDO:0003582. Disease mechanism: loss of function.

gnomAD v4.1: 2 of 1,613,758 alleles (0.00012%); highest among the groups gnomAD compares: African/African-American, 0.0013%; no homozygotes.

Submissions (5):

Labcorp Genetics (formerly Invitae), Labcorp
Classification: Uncertain significance for Hereditary breast ovarian cancer syndrome. Last evaluated: 2025-11-22. Review status: criteria provided, single submitter. Criteria: Invitae Variant Classification Sherloc (09022015). Collection method: clinical testing. Allele origin: germline.
Comment: This sequence change replaces serine, which is neutral and polar, with cysteine, which is neutral and slightly polar, at codon 1056 of the BRCA1 protein (p.Ser1056Cys). This variant is not present in population databases (gnomAD no frequency). This variant has not been reported in the literature in individuals affected with BRCA1-related conditions. ClinVar contains an entry for this variant (Variation ID: 141223). Invitae Evidence Modeling of protein sequence and biophysical properties (such as structural, functional, and spatial information, amino acid conservation, physicochemical variation, residue mobility, and thermodynamic stability) indicates that this missense variant is not expected to disrupt BRCA1 protein function with a negative predictive value of 95%. In summary, the available evidence is currently insufficient to determine the role of this variant in disease. Therefore, it has been classified as a Variant of Uncertain Significance.

All of Us Research Program, National Institutes of Health
Classification: Uncertain significance for BRCA1-related cancer predisposition. Last evaluated: 2024-08-13. Review status: criteria provided, single submitter. Criteria: ACMG Guidelines, 2015. Collection method: clinical testing. Allele origin: germline. Inheritance: Autosomal dominant inheritance. Observed: 1 variant allele, 1 heterozygote.
Comment: This missense variant replaces serine with cysteine at codon 1056 of the BRCA1 protein. Computational prediction is inconclusive regarding the impact of this variant on protein structure and function To our knowledge, functional studies have not been reported for this variant. This variant has not been reported in individuals affected with BRCA1-related disorders in the literature. This variant has not been identified in the general population by the Genome Aggregation Database (gnomAD). The available evidence is insufficient to determine the role of this variant in disease conclusively. Therefore, this variant is classified as a Variant of Uncertain Significance.

This study involves interpretation of variants in research participants for the purpose of population health screening. Participant phenotype was not available at the time of variant classification. Additional details can be found in publication PMID: 35346344, PMCID: PMC8962531

Color Diagnostics, LLC DBA Color Health
Classification: Uncertain significance for Hereditary cancer-predisposing syndrome. Last evaluated: 2024-07-24. Review status: criteria provided, single submitter. Criteria: ACMG Guidelines, 2015. Collection method: clinical testing. Allele origin: germline.
Comment: This missense variant replaces serine with cysteine at codon 1056 of the BRCA1 protein. Computational prediction is inconclusive regarding the impact of this variant on protein structure and function To our knowledge, functional studies have not been reported for this variant. This variant has not been reported in individuals affected with BRCA1-related disorders in the literature. This variant has not been identified in the general population by the Genome Aggregation Database (gnomAD). The available evidence is insufficient to determine the role of this variant in disease conclusively. Therefore, this variant is classified as a Variant of Uncertain Significance.

University of Washington Department of Laboratory Medicine, University of Washington
Classification: Likely benign for Hereditary cancer-predisposing syndrome. Last evaluated: 2023-03-23. Review status: criteria provided, single submitter. Criteria: Dines et al. (Genet Med. 2020). Collection method: curation. Allele origin: germline.
Comment: Missense variant in a coldspot region where missense variants are very unlikely to be pathogenic (PMID:31911673).

BRCA1 coldspot (exon 11 using historical exon numbering). Reclassification based on statistical prior probability

Ambry Genetics
Classification: Uncertain significance for Hereditary cancer-predisposing syndrome. Last evaluated: 2013-08-26. Review status: criteria provided, single submitter. Criteria: Ambry Autosomal Dominant and X-Linked criteria (10/2015). Collection method: clinical testing. Allele origin: germline. Observed: 1 variant allele.
Comment: Ã¢â‚¬â€¹The p.S1056C variant (also known as c.3167C>G or 3286C>G) is located in coding exon 9 of the BRCA1 gene. This alteration results from a C to G substitution at nucleotide position 3167. The serine at codon 1056 is replaced by cysteine, an amino acid with dissimilar properties. This variant was not reported in population-based cohorts in the following databases: Database of Single Nucleotide Polymorphisms (dbSNP), NHLBI Exome Sequencing Project (ESP) and 1000 Genomes Project. Based on protein sequence alignment, this amino acid position is highly conserved in available vertebrate species. In addition, this alteration is predicted to be tolerated by in silico analysis. Since supporting evidence is limited at this time, the clinical significance of p.S1056C remains unclear.